The following is an entry in ClinVar:

NM_001162501.2(TNRC6B):c.4830A>G (p.Pro1610=)

Gene: TNRC6B (trinucleotide repeat containing adaptor 6B; plus strand). Cytogenetic location: 22q13.1.
Variant type: single nucleotide variant.
Coding change: c.4830A>G on transcript NM_001162501.2 (MANE Select); coding-DNA position 4830, A replaced by G.
Protein change: p.Pro1610=; no amino-acid change (proline 1610 retained).
Molecular consequence: synonymous variant.
Genome position (GRCh38, 1-based): chr22:40,315,434, A>G. VCF-style: chr22-40315434-A-G. GRCh37 (hg19) VCF-style: chr22-40711438-A-G.
Other names: c.2418A>G, p.Pro806= (NM_001024843.2); c.4500A>G, p.Pro1500= (NM_015088.3).
Identifiers: ClinVar variation 2653188 (VCV002653188.24), dbSNP rs753509531, ClinGen allele CA10247380.

ClinVar aggregate classification (germline): Likely benign (1 of 4 stars; one submission).

Allele frequency attached by ClinVar (database versions not stated): gnomAD exomes below 0.00001; ExAC 0.00001.
gnomAD v4.1: 3 of 1,613,882 alleles (0.00019%); highest among the groups gnomAD compares: Non-Finnish European, 0.00025%; no homozygotes.

Submission:

CeGaT Center for Human Genetics Tuebingen
Classification: Likely benign. Last evaluated: 2023-03-01. Review status: criteria provided, single submitter. Criteria: CeGaT Center For Human Genetics Tuebingen Variant Classification Criteria Version 2. Collection method: clinical testing. Allele origin: germline. Affected: yes. Observed: 1 variant allele.
Comment: TNRC6B: BP4, BP7